The following is an entry in ClinVar:

ClinVar aggregate classification (germline): Uncertain significance (1 of 4 stars; one submission).

Conditions:
Carnitine palmitoyl transferase 1A deficiency. Also called: Carnitine palmitoyltransferase 1A deficiency; CPT deficiency, hepatic, type IA; Carnitine palmitoyltransferase type I deficiency; CPT I DEFICIENCY; CPT DEFICIENCY, HEPATIC, TYPE I. Identifiers: Orphanet 156, MedGen C1829703, MONDO:0009705, OMIM 255120.

Submission:

Labcorp Genetics (formerly Invitae), Labcorp
Classification: Uncertain significance for Carnitine palmitoyl transferase 1A deficiency. Last evaluated: 2021-02-15. Review status: criteria provided, single submitter. Criteria: Invitae Variant Classification Sherloc (09022015). Collection method: clinical testing. Allele origin: germline.
Comment: In summary, the available evidence is currently insufficient to determine the role of this variant in disease. Therefore, it has been classified as a Variant of Uncertain Significance. Algorithms developed to predict the effect of missense changes on protein structure and function are either unavailable or do not agree on the potential impact of this missense change (SIFT: "Deleterious"; PolyPhen-2: "Possibly Damaging"; Align-GVGD: "Class C0"). This variant has not been reported in the literature in individuals with CPT1A-related conditions. This variant is not present in population databases (ExAC no frequency). This sequence change replaces phenylalanine with serine at codon 697 of the CPT1A protein (p.Phe697Ser). The phenylalanine residue is moderately conserved and there is a large physicochemical difference between phenylalanine and serine.

NM_001876.4(CPT1A):c.2090T>C (p.Phe697Ser)

Gene: CPT1A (carnitine palmitoyltransferase 1A; minus strand). Cytogenetic location: 11q13.3.
Variant type: single nucleotide variant.
Coding change: c.2090T>C on transcript NM_001876.4 (MANE Select); coding-DNA position 2090, T replaced by C.
Protein change: p.Phe697Ser; replaces phenylalanine 697 with serine.
Molecular consequence: missense variant.
Genome position (GRCh38, 1-based): chr11:68,760,277, A>G on the plus strand (T>C on the coding strand, the complement: CPT1A is on the minus strand). VCF-style: chr11-68760277-A-G. GRCh37 (hg19) VCF-style: chr11-68527745-A-G.
Other names: c.2090T>C, p.Phe697Ser (NM_001031847.3); short protein forms F697S.
Identifiers: ClinVar variation 1415549 (VCV001415549.8), dbSNP rs2153994789, ClinGen allele CA381625856.
Genomic context (GRCh38, chr11:68,760,277, plus strand): 5'-GCACTCACCGGTCCAAAGCCCCCTCCGCTGGACACGTACTCTGGGTTATTCTCCAAGTCA[A>G]ACAGCTCCACTTGCTGCTGAGGGGTCTGGCTTGTTGATAATCTCCAAGGCTCAGATAAAA-3'
Protein context (NP_001867.2, residues 687-707): SQTPQQQVEL[Phe697Ser]DLENNPEYVS